The following is an entry in ClinVar:

ClinVar aggregate classification (germline): Pathogenic/Likely pathogenic. Review status: criteria provided, multiple submitters, no conflicts (2 of 4 stars). 3 submissions from 3 submitters: Pathogenic (1); Likely pathogenic (2). Last evaluated 2026-01-11.

Conditions:
Autosomal recessive Alport syndrome (ATS2). Also called: COL4A3-Related Nephropathy; ALPORT SYNDROME 2, AUTOSOMAL RECESSIVE; COL4A4 Alport Syndrome and Thin Basement Membrane Nephropathy; Alport syndrome type 2. Identifiers: Orphanet 63, Orphanet 88919, MedGen C4746745, MONDO:0008762, OMIM 203780.
Hematuria, benign familial, 1 (BFH1). Also called: THIN MEMBRANE NEPHROPATHY. Identifiers: MedGen CN376803, MONDO:0007709, OMIM 141200.
Autosomal dominant Alport syndrome (ATS3A). Also called: Alport syndrome dominant type; Renal failure and sensorineural hearing loss; ALPORT SYNDROME 3A, AUTOSOMAL DOMINANT. Identifiers: Orphanet 63, Orphanet 88918, MedGen C5882663, MONDO:0007086, OMIM 104200.

Submissions (3):

Labcorp Genetics (formerly Invitae), Labcorp
Classification: Pathogenic. Last evaluated: 2026-01-11. Review status: criteria provided, single submitter. Criteria: Invitae Variant Classification Sherloc (09022015). Collection method: clinical testing. Allele origin: germline.
Comment: This sequence change creates a premature translational stop signal (p.Cys1588Metfs*46) in the COL4A4 gene. While this is not anticipated to result in nonsense mediated decay, it is expected to disrupt the last 103 amino acid(s) of the COL4A4 protein. This variant is present in population databases (no rsID available, gnomAD 0.01%). This premature translational stop signal has been observed in individual(s) with autosomal recessive Alport syndrome (PMID: 30745910, 33772369). ClinVar contains an entry for this variant (Variation ID: 1676233). This variant disrupts a region of the COL4A4 protein in which other variant(s) (p.Cys1683Tyr) have been determined to be pathogenic (PMID: 26809805; internal data). This suggests that this is a clinically significant region of the protein, and that variants that disrupt it are likely to be disease-causing. For these reasons, this variant has been classified as Pathogenic.

Molecular Genetics, Royal Melbourne Hospital
Classification: Likely pathogenic for Autosomal dominant Alport syndrome. Last evaluated: 2023-03-30. Review status: criteria provided, single submitter. Criteria: ACMG Guidelines, 2015. Collection method: clinical testing. Allele origin: germline. Affected: yes.
Comment: This sequence change in COL4A4 is a frameshift variant predicted to cause a premature stop codon (p.(Cys1588Metfs*46)) that is predicted to escape nonsense mediated decay and remove <10% of the protein in a gene where loss-of-function is an established disease mechanism (PMID: 20301386). This variant is present in a single individual in gnomAD v3.1 (1/41,444 alleles) in the African/African American population. This variant has been detected in at least two individuals compound heterozygous for the variant and a pathogenic or likely pathogenic variant with Alport syndrome (PMID: 30745910, 33772369). Based on the classification scheme RMH Modified ACMG Guidelines v1.4.0, this variant is classified as LIKELY PATHOGENIC. Following criteria are met: PM3_Strong, PVS1_Moderate, PM2_Supporting.

Juno Genomics, Hangzhou Juno Genomics, Inc
Classification: Likely pathogenic for Hematuria, benign familial, 1; Autosomal recessive Alport syndrome. Review status: criteria provided, single submitter. Criteria: ACMG Guidelines, 2015. Collection method: clinical testing. Allele origin: germline.
Comment: Absent from controls (or at extremely low frequency if recessive) in Genome Aggregation Database.;Null variant in a gene where loss of function (LOF) is a known mechanism of disease.;For recessive disorders, detected in trans with a pathogenic variant.;Patient's phenotype or family history is highly specific for a disease with a single genetic etiology.

Literature cited by the submitters: PubMed 30745910 (cited by Labcorp Genetics (formerly Invitae), Labcorp and Molecular Genetics, Royal Melbourne Hospital); PubMed 33772369 (cited by Labcorp Genetics (formerly Invitae), Labcorp and Molecular Genetics, Royal Melbourne Hospital); PubMed 26809805 (cited by Labcorp Genetics (formerly Invitae), Labcorp); PubMed 20301386 (cited by Molecular Genetics, Royal Melbourne Hospital).

NM_000092.5(COL4A4):c.4760dup (p.Cys1588fs)

Gene: COL4A4 (collagen type IV alpha 4 chain; minus strand). Cytogenetic location: 2q36.3.
Variant type: Duplication.
Coding change: c.4760dup on transcript NM_000092.5 (MANE Select); coding-DNA position 4760, one base duplicated (C; older notation c.4760dupC).
Protein change: p.Cys1588fs; shifts the reading frame from cysteine 1588.
Molecular consequence: frameshift variant.
Genome position (GRCh38, 1-based): chr2:227,008,067, G duplicated on the plus strand (C on the coding strand, the reverse complement: COL4A4 is on the minus strand); the first of 6 consecutive G bases (chr2:227,008,067-227,008,072); duplicating any one gives the same sequence. VCF-style (leftmost placement, unchanged base first): chr2-227008066-T-TG. GRCh37 (hg19) VCF-style: chr2-227872782-T-TG.
Other names: c.4760dupC (NM_000092.5); short protein forms C1588fs.
Identifiers: ClinVar variation 1676233 (VCV001676233.7), dbSNP rs1206142672, ClinGen allele CA540312169.